The following is an entry in ClinVar:

ClinVar aggregate classification (germline): Uncertain significance (1 of 4 stars; one submission).

Conditions:
Combined immunodeficiency due to CD3gamma deficiency. Also called: CD3-GAMMA DEFICIENCY; SCID-LIKE IMMUNODEFICIENCY, T CELL-PARTIAL, B CELL-POSITIVE, NK CELL-POSITIVE; Immunodeficiency 17; Immunodeficiency 17, CD3 gamma deficient. Identifiers: Orphanet 169082, MedGen C3810107, MONDO:0014276, OMIM 615607.

Allele frequency attached by ClinVar (database versions not stated): gnomAD exomes below 0.00001.
gnomAD v4.1: 3 of 1,614,162 alleles (0.00019%); highest among the groups gnomAD compares: Non-Finnish European, 0.00025%; no homozygotes.

Submission:

Labcorp Genetics (formerly Invitae), Labcorp
Classification: Uncertain significance for Combined immunodeficiency due to CD3gamma deficiency. Last evaluated: 2017-11-15. Review status: criteria provided, single submitter. Criteria: Invitae Variant Classification Sherloc (09022015). Collection method: clinical testing. Allele origin: germline.
Comment: In summary, the available evidence is currently insufficient to determine the role of this variant in disease. Therefore, it has been classified as a Variant of Uncertain Significance. Algorithms developed to predict the effect of sequence changes on RNA splicing suggest that this variant may create or strengthen a splice site, but this prediction has not been confirmed by published transcriptional studies. Algorithms developed to predict the effect of missense changes on protein structure and function do not agree on the potential impact of this missense change (SIFT: "Tolerated"; PolyPhen-2: "Possibly Damaging"; Align-GVGD: "Class C0"). This variant has not been reported in the literature in individuals with CD3G-related disease. This variant is not present in population databases (ExAC no frequency). This sequence change replaces lysine with threonine at codon 57 of the CD3G protein (p.Lys57Thr). The lysine residue is moderately conserved and there is a moderate physicochemical difference between lysine and threonine.

NM_000073.3(CD3G):c.170A>C (p.Lys57Thr)

Genes: CD3G (CD3 gamma subunit of T-cell receptor complex; plus strand), LOC126861358 (BRD4-independent group 4 enhancer GRCh37_chr11:118220212-118221411; plus strand). Cytogenetic location: 11q23.3.
Variant type: single nucleotide variant.
Coding change: c.170A>C on transcript NM_000073.3 (MANE Select); coding-DNA position 170, A replaced by C.
Protein change: p.Lys57Thr; replaces lysine 57 with threonine.
Molecular consequence: missense variant.
Genome position (GRCh38, 1-based): chr11:118,349,833, A>C. VCF-style: chr11-118349833-A-C. GRCh37 (hg19) VCF-style: chr11-118220548-A-C.
Other names: short protein forms K57T.
Identifiers: ClinVar variation 541653 (VCV000541653.9), dbSNP rs1555121379, ClinGen allele CA382792439.
Genomic context (GRCh38, chr11:118,349,833, plus strand): 5'-AAGAAGATGGTTCGGTACTTCTGACTTGTGATGCAGAAGCCAAAAATATCACATGGTTTA[A>C]AGATGGGAAGATGATCGGCTTCCTAACTGAAGATAAAAAAAAATGGAATCTGGGAAGTAA-3'
Protein context (NP_000064.1, residues 47-67): DAEAKNITWF[Lys57Thr]DGKMIGFLTE